The following is an entry in ClinVar:

NM_000093.5(COL5A1):c.2203C>T (p.Gln735Ter)

Gene: COL5A1 (collagen type V alpha 1 chain; plus strand). Cytogenetic location: 9q34.3.
Variant type: single nucleotide variant.
Coding change: c.2203C>T on transcript NM_000093.5 (MANE Select); coding-DNA position 2203, C replaced by T.
Protein change: p.Gln735Ter; replaces glutamine 735 with a stop codon.
Molecular consequence: nonsense.
Genome position (GRCh38, 1-based): chr9:134,767,325, C>T. VCF-style: chr9-134767325-C-T. GRCh37 (hg19) VCF-style: chr9-137659171-C-T.
Other names: c.2203C>T, p.Gln735Ter (NM_001278074.1); short protein forms Q735*.
Identifiers: ClinVar variation 3061226 (VCV003061226.2), dbSNP rs2490665880, ClinGen allele CA375448876.

ClinVar aggregate classification (germline): Likely pathogenic (0 of 4 stars; one submission).

Conditions:
COL5A1-related disorder. Also called: COL5A1-related condition.

Submission:

PreventionGenetics, part of Exact Sciences
Classification: Likely pathogenic for COL5A1-related condition. Last evaluated: 2024-03-03. Review status: no assertion criteria provided. Collection method: clinical testing. Allele origin: germline.
Comment: The COL5A1 c.2203C>T variant is predicted to result in premature protein termination (p.Gln735*). To our knowledge, this variant has not been reported in the literature or in a large population database, indicating this variant is rare. Nonsense variants in COL5A1 are expected to be pathogenic. This variant is interpreted as likely pathogenic.